The following is an entry in ClinVar:

NM_018834.6(MATR3):c.2336A>G (p.Tyr779Cys)

Gene: MATR3 (matrin 3; plus strand). Cytogenetic location: 5q31.2.
Variant type: single nucleotide variant.
Coding change: c.2336A>G on transcript NM_018834.6 (MANE Select); coding-DNA position 2336, A replaced by G.
Protein change: p.Tyr779Cys; replaces tyrosine 779 with cysteine.
Molecular consequence: missense variant.
Genome position (GRCh38, 1-based): chr5:139,325,627, A>G. VCF-style: chr5-139325627-A-G. GRCh37 (hg19) VCF-style: chr5-138661316-A-G.
Other names: c.2336A>G, p.Tyr779Cys (NM_001194954.2, NM_001194955.2, NM_001400447.1 and 11 more transcripts); c.1472A>G, p.Tyr491Cys (NM_001194956.2); c.1322A>G, p.Tyr441Cys (NM_001282278.2, NM_001400462.1, NM_001400463.1 and 4 more transcripts); c.2480A>G, p.Tyr827Cys (NM_001400441.1, NM_001400442.1, NM_001400443.1 and 2 more transcripts); c.1475A>G, p.Tyr492Cys (NM_001400459.1); c.1466A>G, p.Tyr489Cys (NM_001400460.1); c.1436A>G, p.Tyr479Cys (NM_001400461.1); short protein forms Y441C, Y779C, Y491C, Y492C, Y479C, Y489C, Y827C.
Identifiers: ClinVar variation 3123990 (VCV003123990.2), dbSNP rs1278385135, ClinGen allele CA361146614.

ClinVar aggregate classification (germline): Uncertain significance. Review status: criteria provided, multiple submitters, no conflicts (2 of 4 stars). 2 submissions from 2 submitters: Uncertain significance (2). Last evaluated 2026-01-06.

Conditions:
Inborn genetic diseases. Identifiers: MedGen C0950123, MeSH D030342.
Amyotrophic lateral sclerosis type 21. Also called: VOCAL CORD AND PHARYNGEAL DYSFUNCTION WITH DISTAL MYOPATHY; MYOPATHY, DISTAL, 2. Identifiers: Orphanet 600, Orphanet 803, MedGen C3807521, MONDO:0011632, OMIM 606070.

Allele frequency attached by ClinVar (database versions not stated): gnomAD 0.00001.
gnomAD v4.1: 1 of 1,614,102 alleles (0.000062%); highest among the groups gnomAD compares: Non-Finnish European, 0.000085%; no homozygotes.

Submissions (2):

Labcorp Genetics (formerly Invitae), Labcorp
Classification: Uncertain significance for Amyotrophic lateral sclerosis type 21. Last evaluated: 2026-01-06. Review status: criteria provided, single submitter. Criteria: Invitae Variant Classification Sherloc (09022015). Collection method: clinical testing. Allele origin: germline.
Comment: This sequence change replaces tyrosine, which is neutral and polar, with cysteine, which is neutral and slightly polar, at codon 779 of the MATR3 protein (p.Tyr779Cys). This variant is present in population databases (no rsID available, gnomAD 0.007%). This variant has not been reported in the literature in individuals affected with MATR3-related conditions. ClinVar contains an entry for this variant (Variation ID: 3123990). Invitae Evidence Modeling of protein sequence and biophysical properties (such as structural, functional, and spatial information, amino acid conservation, physicochemical variation, residue mobility, and thermodynamic stability) has been performed for this missense variant. However, the output from this modeling did not meet the statistical confidence thresholds required to predict the impact of this variant on MATR3 protein function. In summary, the available evidence is currently insufficient to determine the role of this variant in disease. Therefore, it has been classified as a Variant of Uncertain Significance.

Ambry Genetics
Classification: Uncertain significance for Inborn genetic diseases. Last evaluated: 2023-09-22. Review status: criteria provided, single submitter. Criteria: Ambry Variant Classification Scheme 2023. Collection method: clinical testing. Allele origin: germline.